The following is an entry in ClinVar:

NM_001040151.2(SCN3B):c.14A>G (p.Asn5Ser)

Gene: SCN3B (sodium voltage-gated channel beta subunit 3; minus strand). Cytogenetic location: 11q24.1.
Variant type: single nucleotide variant.
Coding change: c.14A>G on transcript NM_001040151.2 (MANE Select); coding-DNA position 14, A replaced by G.
Protein change: p.Asn5Ser; replaces asparagine 5 with serine.
Molecular consequence: missense variant.
Genome position (GRCh38, 1-based): chr11:123,653,788, T>C on the plus strand (A>G on the coding strand, the complement: SCN3B is on the minus strand). VCF-style: chr11-123653788-T-C. GRCh37 (hg19) VCF-style: chr11-123524496-T-C.
Other names: c.14A>G, p.Asn5Ser (NM_018400.4); short protein forms N5S.
Identifiers: ClinVar variation 1047664 (VCV001047664.10), dbSNP rs369522500, ClinGen allele CA6334106.

ClinVar aggregate classification (germline): Uncertain significance. Review status: criteria provided, multiple submitters, no conflicts (2 of 4 stars). 2 submissions from 2 submitters: Uncertain significance (2). Last evaluated 2024-12-26.

Conditions:
Brugada syndrome 7 (BRGDA7). Identifiers: Orphanet 130, MedGen C2751088, MONDO:0013146, OMIM 613120.
Cardiovascular phenotype. Identifiers: MedGen CN230736.

Allele frequency attached by ClinVar (database versions not stated): ExAC 0.00002; gnomAD 0.00002 and 0.00003; TOPMed 0.00002; ESP Exome Variant Server 0.00008.
gnomAD v4.1: 30 of 1,614,132 alleles (0.0019%); highest among the groups gnomAD compares: Non-Finnish European, 0.0024%; no homozygotes.

Submissions (2):

Labcorp Genetics (formerly Invitae), Labcorp
Classification: Uncertain significance for Brugada syndrome 7. Last evaluated: 2024-12-26. Review status: criteria provided, single submitter. Criteria: Invitae Variant Classification Sherloc (09022015). Collection method: clinical testing. Allele origin: germline.
Comment: This sequence change replaces asparagine, which is neutral and polar, with serine, which is neutral and polar, at codon 5 of the SCN3B protein (p.Asn5Ser). This variant is present in population databases (rs369522500, gnomAD 0.004%). This variant has not been reported in the literature in individuals affected with SCN3B-related conditions. ClinVar contains an entry for this variant (Variation ID: 1047664). An algorithm developed to predict the effect of missense changes on protein structure and function outputs the following: PolyPhen-2: "Benign". The serine amino acid residue is found in multiple mammalian species, which suggests that this missense change does not adversely affect protein function. In summary, the available evidence is currently insufficient to determine the role of this variant in disease. Therefore, it has been classified as a Variant of Uncertain Significance.

Ambry Genetics
Classification: Uncertain significance for Cardiovascular phenotype. Last evaluated: 2022-03-09. Review status: criteria provided, single submitter. Criteria: Ambry Variant Classification Scheme 2023. Collection method: clinical testing. Allele origin: germline.
Comment: The p.N5S variant (also known as c.14A>G), located in coding exon 1 of the SCN3B gene, results from an A to G substitution at nucleotide position 14. The asparagine at codon 5 is replaced by serine, an amino acid with highly similar properties. This amino acid position is well conserved in available vertebrate species. In addition, this alteration is predicted to be tolerated by in silico analysis. The evidence for this gene-disease relationship is limited; therefore, the clinical significance of this alteration is unclear.